The following is an entry in ClinVar:

NM_005559.4(LAMA1):c.8904C>T (p.Thr2968=)

Gene: LAMA1 (laminin subunit alpha 1; minus strand). Cytogenetic location: 18p11.31.
Variant type: single nucleotide variant.
Coding change: c.8904C>T on transcript NM_005559.4 (MANE Select); coding-DNA position 8904, C replaced by T.
Protein change: p.Thr2968=; no amino-acid change (threonine 2968 retained).
Molecular consequence: synonymous variant.
Genome position (GRCh38, 1-based): chr18:6,943,343, G>A on the plus strand (C>T on the coding strand, the complement: LAMA1 is on the minus strand). VCF-style: chr18-6943343-G-A. GRCh37 (hg19) VCF-style: chr18-6943342-G-A.
Identifiers: ClinVar variation 3041764 (VCV003041764.3), dbSNP rs199752725, ClinGen allele CA8880302.

ClinVar aggregate classification (germline): Likely benign. Review status: criteria provided, single submitter (1 of 4 stars). 2 submissions from 2 submitters: Likely benign (1). 1 of the submissions does not count toward it. Last evaluated 2024-11-27.

Conditions:
LAMA1-related disorder. Also called: LAMA1-related disorders; LAMA1-related condition.

Allele frequency attached by ClinVar (database versions not stated): 1000 Genomes Project 30x 0.00016; 1000 Genomes Project 0.00020.
gnomAD v4.1: 101 of 1,614,088 alleles (0.0063%); highest among the groups gnomAD compares: East Asian, 0.087%; no homozygotes.

Submissions (2):

Blueprint Genetics
Classification: Likely benign. Last evaluated: 2024-11-27. Review status: criteria provided, single submitter. Criteria: ACMG Guidelines, 2015. Collection method: clinical testing. Allele origin: germline.

PreventionGenetics, part of Exact Sciences
Classification: Likely benign for LAMA1-related condition. Last evaluated: 2019-05-14. Review status: no assertion criteria provided. Collection method: clinical testing. Allele origin: germline. Not counted in ClinVar's aggregate classification.
Comment: This variant is classified as likely benign based on ACMG/AMP sequence variant interpretation guidelines (Richards et al. 2015 PMID: 25741868, with internal and published modifications).